The following is an entry in ClinVar:

ClinVar aggregate classification (germline): Likely pathogenic (1 of 4 stars; one submission).

Conditions:
HYPERHOMOCYSTEINEMIA, THROMBOTIC, CBS-RELATED. Identifiers: MedGen C3150344, OMIM 236200.

Submission:

Labcorp Genetics (formerly Invitae), Labcorp
Classification: Likely pathogenic for HYPERHOMOCYSTEINEMIA, THROMBOTIC, CBS-RELATED. Last evaluated: 2022-11-29. Review status: criteria provided, single submitter. Criteria: Invitae Variant Classification Sherloc (09022015). Collection method: clinical testing. Allele origin: germline.
Comment: This variant is not present in population databases (gnomAD no frequency). In summary, the currently available evidence indicates that the variant is pathogenic, but additional data are needed to prove that conclusively. Therefore, this variant has been classified as Likely Pathogenic. This variant disrupts the p.Ser352 amino acid residue in CBS. Other variant(s) that disrupt this residue have been observed in individuals with CBS-related conditions (PMID: 10338090), which suggests that this may be a clinically significant amino acid residue. Advanced modeling of protein sequence and biophysical properties (such as structural, functional, and spatial information, amino acid conservation, physicochemical variation, residue mobility, and thermodynamic stability) performed at Invitae indicates that this missense variant is expected to disrupt CBS protein function. This missense change has been observed in individual(s) with homocystinuria (Invitae). In at least one individual the data is consistent with being in trans (on the opposite chromosome) from a pathogenic variant. This sequence change replaces serine, which is neutral and polar, with arginine, which is basic and polar, at codon 352 of the CBS protein (p.Ser352Arg).

Literature cited by the submitters: PubMed 10338090.

NM_000071.3(CBS):c.1056C>G (p.Ser352Arg)

Gene: CBS (cystathionine beta-synthase; minus strand). Cytogenetic location: 21q22.3.
Variant type: single nucleotide variant.
Coding change: c.1056C>G on transcript NM_000071.3 (MANE Select); coding-DNA position 1056, C replaced by G.
Protein change: p.Ser352Arg; replaces serine 352 with arginine.
Molecular consequence: missense variant.
Genome position (GRCh38, 1-based): chr21:43,060,530, G>C on the plus strand (C>G on the coding strand, the complement: CBS is on the minus strand). VCF-style: chr21-43060530-G-C. GRCh37 (hg19) VCF-style: chr21-44480640-G-C.
Other names: c.1056C>G, p.Ser352Arg (NM_001178008.3, NM_001178009.3, NM_001320298.2); c.741C>G, p.Ser247Arg (NM_001321072.1); short protein forms S352R, S247R.
Identifiers: ClinVar variation 2008922 (VCV002008922.4), dbSNP rs1443213281, ClinGen allele CA410398227.